The following is an entry in ClinVar:

ClinVar aggregate classification (germline): Uncertain significance (1 of 4 stars; one submission).

Allele frequency attached by ClinVar (database versions not stated): ExAC 0.00003; gnomAD exomes 0.00003; ESP Exome Variant Server 0.00008; 1000 Genomes Project 0.00040; 1000 Genomes Project 30x 0.00047.
gnomAD v4.1: 16 of 1,607,960 alleles (0.001%); highest among the groups gnomAD compares: Admixed American, 0.0067%; no homozygotes.

Submission:

Labcorp Genetics (formerly Invitae), Labcorp
Classification: Uncertain significance. Last evaluated: 2022-09-12. Review status: criteria provided, single submitter. Criteria: Invitae Variant Classification Sherloc (09022015). Collection method: clinical testing. Allele origin: germline.
Comment: This sequence change replaces arginine, which is basic and polar, with tryptophan, which is neutral and slightly polar, at codon 15 of the MYO18B protein (p.Arg15Trp). This variant is present in population databases (rs372043469, gnomAD 0.01%). This variant has not been reported in the literature in individuals affected with MYO18B-related conditions. ClinVar contains an entry for this variant (Variation ID: 1383468). Algorithms developed to predict the effect of missense changes on protein structure and function are either unavailable or do not agree on the potential impact of this missense change (SIFT: "Not Available"; PolyPhen-2: "Probably Damaging"; Align-GVGD: "Not Available"). In summary, the available evidence is currently insufficient to determine the role of this variant in disease. Therefore, it has been classified as a Variant of Uncertain Significance.

NM_032608.7(MYO18B):c.43C>T (p.Arg15Trp)

Gene: MYO18B (myosin XVIIIB; plus strand). Cytogenetic location: 22q12.1.
Variant type: single nucleotide variant.
Coding change: c.43C>T on transcript NM_032608.7 (MANE Select); coding-DNA position 43, C replaced by T.
Protein change: p.Arg15Trp; replaces arginine 15 with tryptophan.
Molecular consequence: missense variant.
Genome position (GRCh38, 1-based): chr22:25,763,234, C>T. VCF-style: chr22-25763234-C-T. GRCh37 (hg19) VCF-style: chr22-26159201-C-T.
Other names: c.43C>T, p.Arg15Trp (NM_001318245.2); short protein forms R15W.
Identifiers: ClinVar variation 1383468 (VCV001383468.3), dbSNP rs372043469, ClinGen allele CA10159480.